The following is an entry in ClinVar:

ClinVar aggregate classification (germline): Uncertain significance. Review status: criteria provided, multiple submitters, no conflicts (2 of 4 stars). 2 submissions from 2 submitters: Uncertain significance (2). Last evaluated 2024-07-29.

Conditions:
RYR1-related disorder. Also called: RYR1-related condition; RYR1-related disorders. Identifiers: MedGen CN239331.

Submissions (2):

Labcorp Genetics (formerly Invitae), Labcorp
Classification: Uncertain significance for RYR1-related disorder. Last evaluated: 2024-07-29. Review status: criteria provided, single submitter. Criteria: Invitae Variant Classification Sherloc (09022015). Collection method: clinical testing. Allele origin: germline.
Comment: This variant, c.12947_12967dup, results in the insertion of 7 amino acid(s) of the RYR1 protein (p.Arg4316_Arg4322dup), but otherwise preserves the integrity of the reading frame. This variant is present in population databases (no rsID available, gnomAD 0.09%). This variant has not been reported in the literature in individuals affected with RYR1-related conditions. ClinVar contains an entry for this variant (Variation ID: 1806496). In summary, the available evidence is currently insufficient to determine the role of this variant in disease. Therefore, it has been classified as a Variant of Uncertain Significance.

GeneDx
Classification: Uncertain significance. Last evaluated: 2022-06-22. Review status: criteria provided, single submitter. Criteria: GeneDx Variant Classification Process June 2021. Collection method: clinical testing. Allele origin: germline. Affected: yes.
Comment: In-frame insertion of 7 amino acids in a non-repeat region; Has not been previously published as pathogenic or benign to our knowledge

NM_000540.3(RYR1):c.12947_12967dup (p.Arg4322_Leu4323insArgValArgArgLeuArgArg)

Gene: RYR1 (ryanodine receptor 1; plus strand). Cytogenetic location: 19q13.2.
Variant type: Duplication.
Coding change: c.12947_12967dup on transcript NM_000540.3 (MANE Select); coding-DNA positions 12947 to 12967, 21 bases duplicated (GCGTGCGGCGGCTGCGGCGGC).
Protein change: p.Arg4322_Leu4323insArgValArgArgLeuArgArg.
Molecular consequence: inframe insertion.
Genome position (GRCh38, 1-based): chr19:38,565,281-38,565,301, GCGTGCGGCGGCTGCGGCGGC duplicated; duplicating any 21 consecutive bases within chr19:38,565,271-38,565,301 gives the same sequence; the c. name uses the placement nearest the transcript's 3' end. VCF-style (leftmost placement, unchanged base first): chr19-38565270-C-CCTGCGGCGGCGCGTGCGGCGG. GRCh37 (hg19) VCF-style: chr19-39055910-C-CCTGCGGCGGCGCGTGCGGCGG.
Other names: c.12932_12952dup, p.Arg4317_Leu4318insArgValArgArgLeuArgArg (NM_001042723.2).
Identifiers: ClinVar variation 1806496 (VCV001806496.5), dbSNP rs1410188704, ClinGen allele CA633066824.